The following is an entry in ClinVar:

ClinVar aggregate classification (germline): Uncertain significance. Review status: criteria provided, multiple submitters, no conflicts (2 of 4 stars). 3 submissions from 3 submitters: Uncertain significance (3). Last evaluated 2025-09-02.

Conditions:
Succinate-semialdehyde dehydrogenase deficiency (SSADHD). Also called: GABA METABOLIC DEFECT; SSADH DEFICIENCY; 4-HYDROXYBUTYRIC ACIDURIA; Succinic Semialdehyde Dehydrogenase Deficiency. Identifiers: Orphanet 22, MedGen C0268631, MONDO:0010083, OMIM 271980.

Allele frequency attached by ClinVar (database versions not stated): gnomAD exomes below 0.00001 and 0.00001; ExAC 0.00002.
gnomAD v4.1: 5 of 1,328,192 alleles (0.00038%); highest among the groups gnomAD compares: Non-Finnish European, 0.00048%; no homozygotes.

Submissions (3):

Labcorp Genetics (formerly Invitae), Labcorp
Classification: Uncertain significance for Succinate-semialdehyde dehydrogenase deficiency. Last evaluated: 2025-09-02. Review status: criteria provided, single submitter. Criteria: Invitae Variant Classification Sherloc (09022015). Collection method: clinical testing. Allele origin: germline.
Comment: This sequence change replaces leucine, which is neutral and non-polar, with arginine, which is basic and polar, at codon 7 of the ALDH5A1 protein (p.Leu7Arg). The frequency data for this variant in the population databases is considered unreliable, as metrics indicate poor data quality at this position in the gnomAD database. This variant has not been reported in the literature in individuals affected with ALDH5A1-related conditions. ClinVar contains an entry for this variant (Variation ID: 837293). Invitae Evidence Modeling of protein sequence and biophysical properties (such as structural, functional, and spatial information, amino acid conservation, physicochemical variation, residue mobility, and thermodynamic stability) indicates that this missense variant is not expected to disrupt ALDH5A1 protein function with a negative predictive value of 95%. In summary, the available evidence is currently insufficient to determine the role of this variant in disease. Therefore, it has been classified as a Variant of Uncertain Significance.

Blueprint Genetics
Classification: Uncertain significance. Last evaluated: 2023-12-20. Review status: criteria provided, single submitter. Criteria: ACMG Guidelines, 2015. Collection method: clinical testing. Allele origin: germline.

GeneDx
Classification: Uncertain significance. Last evaluated: 2019-04-19. Review status: criteria provided, single submitter. Criteria: GeneDx Variant Classification Process June 2021. Collection method: clinical testing. Allele origin: germline. Affected: yes.
Comment: Not observed [at a significant frequency] in large population cohorts (Lek et al., 2016); In silico analysis, which includes protein predictors and evolutionary conservation, supports that this variant does not alter protein structure/function; Has not been previously published as pathogenic or benign to our knowledge

NM_001080.3(ALDH5A1):c.20T>G (p.Leu7Arg)

Genes: ALDH5A1 (aldehyde dehydrogenase 5 family member A1; plus strand), GPLD1 (glycosylphosphatidylinositol specific phospholipase D1; minus strand), LOC129995978 (ATAC-STARR-seq lymphoblastoid silent region 16989; plus strand). Cytogenetic location: 6p22.3.
Variant type: single nucleotide variant.
Coding change: c.20T>G on transcript NM_001080.3 (MANE Select); coding-DNA position 20, T replaced by G.
Protein change: p.Leu7Arg; replaces leucine 7 with arginine.
Molecular consequence: missense variant.
Genome position (GRCh38, 1-based): chr6:24,495,016, T>G. VCF-style: chr6-24495016-T-G. GRCh37 (hg19) VCF-style: chr6-24495244-T-G.
Other names: c.20T>G, p.Leu7Arg (NM_001368954.1, NM_170740.1); short protein forms L7R.
Identifiers: ClinVar variation 837293 (VCV000837293.9), dbSNP rs774379306, ClinGen allele CA3656553.